The following is an entry in ClinVar:

NM_000051.4(ATM):c.6665_6679delinsG (p.Pro2222fs)

Genes: ATM (ATM serine/threonine kinase; plus strand), C11orf65 (chromosome 11 open reading frame 65; minus strand). Cytogenetic location: 11q22.3.
Variant type: Indel.
Coding change: c.6665_6679delinsG on transcript NM_000051.4 (MANE Select); coding-DNA positions 6665 to 6679, CTATCATGGCTCTAC replaced by G.
Protein change: p.Pro2222fs; shifts the reading frame from proline 2222.
Molecular consequence: frameshift variant. On other transcripts: intron variant (2).
Genome position (GRCh38, 1-based): chr11:108,325,402-108,325,416, CTATCATGGCTCTAC replaced by G. VCF-style: chr11-108325402-CTATCATGGCTCTAC-G. GRCh37 (hg19) VCF-style: chr11-108196129-CTATCATGGCTCTAC-G.
Other names: c.*38+9804_*38+9818delinsC (NM_001351110.2); c.6665_6679delCTATCATGGCTCTACinsG, p.Pro2222Argfs (NM_000051.3); c.6665_6679delinsG, p.Pro2222fs (NM_001351834.2); c.641-16345_641-16331delinsC (NM_001330368.2); short protein forms P2222fs.
Identifiers: ClinVar variation 971248 (VCV000971248.7), dbSNP rs2085562005, ClinGen allele CA1139662251.
Genomic context (GRCh38, chr11:108,325,402, plus strand): 5'-ATATTAAGTGGCAGAAACACTCCCAGCTTCTCAAGGACAGTGATTTTAGTTTTCAGGAGC[CTATCATGGCTCTAC>G]GCACAGTCATTTTGGAGATCCTGATGGAAAAGGAAATGGACAACTCACAAAGAGAATGTA-3'

ClinVar aggregate classification (germline): Pathogenic (1 of 4 stars; one submission).

Conditions:
Ataxia-telangiectasia syndrome (AT). Also called: Ataxia-telangiectasia, complementation group D; AT, COMPLEMENTATION GROUP C; ATAXIA-TELANGIECTASIA, COMPLEMENTATION GROUP A; ATAXIA-TELANGIECTASIA, FRESNO VARIANT; Ataxia-telangiectasia; Ataxia telangiectasia (A-T). Identifiers: Orphanet 100, MedGen C0004135, MONDO:0008840, OMIM 208900.

Submission:

Labcorp Genetics (formerly Invitae), Labcorp
Classification: Pathogenic for Ataxia-telangiectasia syndrome. Last evaluated: 2019-09-20. Review status: criteria provided, single submitter. Criteria: Invitae Variant Classification Sherloc (09022015). Collection method: clinical testing. Allele origin: germline.
Comment: This variant is not present in population databases (ExAC no frequency). For these reasons, this variant has been classified as Pathogenic. Loss-of-function variants in ATM are known to be pathogenic (PMID: 23807571, 25614872). This variant has not been reported in the literature in individuals with ATM-related conditions. This sequence change creates a premature translational stop signal (p.Pro2222Argfs*22) in the ATM gene. It is expected to result in an absent or disrupted protein product.

Literature cited by the submitters: PubMed 23807571; PubMed 25614872.